The following is an entry in ClinVar:

ClinVar aggregate classification (germline): Conflicting classifications of pathogenicity. Review status: criteria provided, conflicting classifications (1 of 4 stars). 2 submissions from 2 submitters: Uncertain significance (1); Likely benign (1). Last evaluated 2022-11-01.

Conditions:
6-Pyruvoyl-tetrahydrobiopterin synthase deficiency. Also called: 6-Pyruvoyltetrahydropterin Synthase Deficiency; Hyperphenylalanemia, BH4-deficient, A; Hyperphenylalaninemia due to 6-pyruvoyl-tetrahydropterin synthase deficiency; PTS-Related Tetrahydrobiopterin Deficiency; PTS DEFICIENCY; HYPERPHENYLALANINEMIA, TETRAHYDROBIOPTERIN-DEFICIENT, DUE TO PTS DEFICIENCY. Identifiers: Orphanet 13, Orphanet 238583, MedGen C0878676, MONDO:0009863, OMIM 261640.

Allele frequency attached by ClinVar (database versions not stated): 1000 Genomes Project 30x 0.00422; 1000 Genomes Project 0.00439; TOPMed 0.00527; gnomAD 0.00606 and 0.00631.
gnomAD v4.1: 7,764 of 1,608,364 alleles (0.48%); highest among the groups gnomAD compares: African/African-American, 0.77%; 27 homozygotes.

Submissions (2):

CeGaT Center for Human Genetics Tuebingen
Classification: Likely benign. Last evaluated: 2022-11-01. Review status: criteria provided, single submitter. Criteria: CeGaT Center For Human Genetics Tuebingen Variant Classification Criteria Version 2. Collection method: clinical testing. Allele origin: germline. Affected: yes. Observed: 1 variant allele.
Comment: PTS: BS2

Illumina Laboratory Services, Illumina
Classification: Uncertain significance for 6-Pyruvoyl-tetrahydrobiopterin synthase deficiency. Last evaluated: 2018-01-13. Review status: criteria provided, single submitter. Criteria: ICSL Variant Classification Criteria 13 December 2019. Collection method: clinical testing. Allele origin: germline.

NM_000317.3(PTS):c.*60T>C

Gene: PTS (6-pyruvoyltetrahydropterin synthase; plus strand). Cytogenetic location: 11q23.1.
Variant type: single nucleotide variant.
Coding change: c.*60T>C on transcript NM_000317.3 (MANE Select); 60 bases downstream of the stop codon, T replaced by C.
Molecular consequence: 3 prime UTR variant.
Genome position (GRCh38, 1-based): chr11:112,233,615, T>C. VCF-style: chr11-112233615-T-C. GRCh37 (hg19) VCF-style: chr11-112104338-T-C.
Identifiers: ClinVar variation 880378 (VCV000880378.28), dbSNP rs149320135, ClinGen allele CA228601375.